The following is an entry in ClinVar:

NM_000271.5(NPC1):c.978del (p.Val327fs)

Gene: NPC1 (NPC intracellular cholesterol transporter 1; minus strand). Cytogenetic location: 18q11.2.
Variant type: Deletion.
Coding change: c.978del on transcript NM_000271.5 (MANE Select); coding-DNA position 978, one base deleted (T; older notation c.978delT).
Protein change: p.Val327fs; shifts the reading frame from valine 327.
Molecular consequence: frameshift variant.
Genome position (GRCh38, 1-based): chr18:23,556,591, A deleted on the plus strand (T on the coding strand, the reverse complement: NPC1 is on the minus strand). VCF-style (leftmost placement, unchanged base first): chr18-23556590-CA-C. GRCh37 (hg19) VCF-style: chr18-21136554-CA-C.
Other names: short protein forms V327fs.
Identifiers: ClinVar variation 3724367 (VCV003724367.2).

ClinVar aggregate classification (germline): Pathogenic (1 of 4 stars; one submission).

Conditions:
Niemann-Pick disease, type C1. Also called: NEUROVISCERAL STORAGE DISEASE WITH VERTICAL SUPRANUCLEAR OPHTHALMOPLEGIA; NIEMANN-PICK DISEASE WITH CHOLESTEROL ESTERIFICATION BLOCK; NIEMANN-PICK DISEASE WITHOUT SPHINGOMYELINASE DEFICIENCY; NIEMANN-PICK DISEASE, CHRONIC NEURONOPATHIC FORM; NIEMANN-PICK DISEASE, VARIANT TYPE C1. Identifiers: Orphanet 646, MedGen C3179455, MONDO:0009757, OMIM 257220.

Submission:

Labcorp Genetics (formerly Invitae), Labcorp
Classification: Pathogenic for Niemann-Pick disease, type C1. Last evaluated: 2024-10-31. Review status: criteria provided, single submitter. Criteria: Invitae Variant Classification Sherloc (09022015). Collection method: clinical testing. Allele origin: germline.
Comment: This sequence change creates a premature translational stop signal (p.Val327Serfs*9) in the NPC1 gene. It is expected to result in an absent or disrupted protein product. Loss-of-function variants in NPC1 are known to be pathogenic (PMID: 9211850). This variant is not present in population databases (gnomAD no frequency). This variant has not been reported in the literature in individuals affected with NPC1-related conditions. For these reasons, this variant has been classified as Pathogenic.

Literature cited by the submitters: PubMed 9211850.